The following is an entry in ClinVar:

NM_000383.4(AIRE):c.116C>T (p.Pro39Leu)

Gene: AIRE (autoimmune regulator; plus strand). Cytogenetic location: 21q22.3.
Variant type: single nucleotide variant.
Coding change: c.116C>T on transcript NM_000383.4 (MANE Select); coding-DNA position 116, C replaced by T.
Protein change: p.Pro39Leu; replaces proline 39 with leucine.
Molecular consequence: missense variant.
Genome position (GRCh38, 1-based): chr21:44,286,122, C>T. VCF-style: chr21-44286122-C-T. GRCh37 (hg19) VCF-style: chr21-45706005-C-T.
Other names: short protein forms P39L.
Identifiers: ClinVar variation 3024087 (VCV003024087.1), dbSNP rs1421339112, ClinGen allele CA410423142.

ClinVar aggregate classification (germline): Uncertain significance (1 of 4 stars; one submission).

Conditions:
Polyglandular autoimmune syndrome, type 1 (APS1). Also called: APS I; Autoimmune polyendocrinopathy syndrome, type I; Autoimmune polyendocrine syndrome type 1; HYPOADRENOCORTICISM WITH HYPOPARATHYROIDISM AND SUPERFICIAL MONILIASIS; PGA I; AUTOIMMUNE POLYENDOCRINE SYNDROME, TYPE I, WITH OR WITHOUT REVERSIBLE METAPHYSEAL DYSPLASIA. Identifiers: Orphanet 3453, MedGen C0085859, MONDO:0009411, OMIM 240300.

Submission:

Neuberg Centre For Genomic Medicine, NCGM
Classification: Uncertain significance for Polyglandular autoimmune syndrome, type 1. Review status: criteria provided, single submitter. Criteria: ACMG Guidelines, 2015. Collection method: clinical testing. Allele origin: germline. Inheritance: Autosomal recessive inheritance. Affected: yes. Observed: 1 heterozygote.
Comment: The missense c.116C>T(p.Pro39Leu) variant in AIRE gene has not been reported previously as a pathogenic variant nor as a benign variant, to our knowledge. This variant is reported with the allele frequency of 0% in the gnomAD Exomes and novel in 1000 Genomes. The amino acid Pro at position 39 is changed to a Leu changing protein sequence and it might alter its composition and physico-chemical properties. The amino acid change p.Pro39Leu in AIRE is predicted as conserved by GERP++ and PhyloP across 100 vertebrates. The variant is predicted as damaging by SIFT. For these reasons, this variant has been classified as Uncertain Significance.